The following is an entry in ClinVar:

ClinVar aggregate classification (germline): Uncertain significance (1 of 4 stars; one submission).

Submission:

Labcorp Genetics (formerly Invitae), Labcorp
Classification: Uncertain significance. Last evaluated: 2023-09-09. Review status: criteria provided, single submitter. Criteria: Invitae Variant Classification Sherloc (09022015). Collection method: clinical testing. Allele origin: germline.
Comment: This variant has not been reported in the literature in individuals affected with SH3KBP1-related conditions. This variant is not present in population databases (gnomAD no frequency). This sequence change creates a premature translational stop signal (p.Gln391*) in the SH3KBP1 gene. It is expected to result in an absent or disrupted protein product. However, the current clinical and genetic evidence is not sufficient to establish whether loss-of-function variants in SH3KBP1 cause disease. In summary, the available evidence is currently insufficient to determine the role of this variant in disease. Therefore, it has been classified as a Variant of Uncertain Significance.

NM_031892.3(SH3KBP1):c.1171C>T (p.Gln391Ter)

Gene: SH3KBP1 (SH3 domain containing kinase binding protein 1; minus strand). Cytogenetic location: Xp22.12.
Variant type: single nucleotide variant.
Coding change: c.1171C>T on transcript NM_031892.3 (MANE Select); coding-DNA position 1171, C replaced by T.
Protein change: p.Gln391Ter; replaces glutamine 391 with a stop codon.
Molecular consequence: nonsense.
Genome position (GRCh38, 1-based): chrX:19,588,770, G>A on the plus strand (C>T on the coding strand, the complement: SH3KBP1 is on the minus strand). VCF-style: chrX-19588770-G-A. GRCh37 (hg19) VCF-style: chrX-19606888-G-A.
Other names: c.1060C>T, p.Gln354Ter (NM_001024666.3); c.457C>T, p.Gln153Ter (NM_001184960.2, NM_001353897.2); c.1171C>T, p.Gln391Ter (NM_001353890.2); c.1246C>T, p.Gln416Ter (NM_001353891.2, NM_001353892.2); c.1069C>T, p.Gln357Ter (NM_001353893.2, NM_001353894.2); c.1126C>T, p.Gln376Ter (NM_001353895.2); c.1303C>T, p.Gln435Ter (NM_001410756.1, NM_001410757.1); c.994C>T, p.Gln332Ter (NM_001410758.1); short protein forms Q354*, Q376*, Q391*, Q153*, Q332*, Q357*, Q416*, Q435*.
Identifiers: ClinVar variation 2759428 (VCV002759428.3), dbSNP rs2519255608, ClinGen allele CA412499678.